The following is an entry in ClinVar:

NM_006096.4(NDRG1):c.389+8C>T

Gene: NDRG1 (N-myc downstream regulated 1; minus strand). Cytogenetic location: 8q24.22.
Variant type: single nucleotide variant.
Coding change: c.389+8C>T on transcript NM_006096.4 (MANE Select); 8 bases into the intron after coding-DNA position 389, C replaced by T.
Molecular consequence: intron variant.
Genome position (GRCh38, 1-based): chr8:133,259,160, G>A on the plus strand (C>T on the coding strand, the complement: NDRG1 is on the minus strand). VCF-style: chr8-133259160-G-A. GRCh37 (hg19) VCF-style: chr8-134271403-G-A.
Other names: p.?; c.191+8C>T (NM_001258432.2, NM_001374847.1); c.146+8C>T (NM_001258433.2); c.389+8C>T (NM_001374844.1, NM_001135242.2, NM_001374845.1 and 1 more transcripts).
Identifiers: ClinVar variation 543497 (VCV000543497.16), dbSNP rs375532877, ClinGen allele CA4886781.

ClinVar aggregate classification (germline): Likely benign. Review status: criteria provided, multiple submitters, no conflicts (2 of 4 stars). 4 submissions from 4 submitters: Likely benign (3). 1 of the submissions does not count toward it. Last evaluated 2026-01-28.

Conditions:
NDRG1-related disorder. Also called: NDRG1-related condition.
Charcot-Marie-Tooth disease type 4. Also called: Charcot-Marie-Tooth disease, type IV; Charcot-Marie-Tooth, Type 4. Identifiers: Orphanet 64749, MedGen C4082197, MONDO:0018995.

Allele frequency attached by ClinVar (database versions not stated): gnomAD exomes 0.00005 and 0.00013; 1000 Genomes Project 30x 0.00016; ExAC 0.00016; 1000 Genomes Project 0.00020; ESP Exome Variant Server 0.00038; gnomAD 0.00053 and 0.00060; TOPMed 0.00054.
gnomAD v4.1: 158 of 1,613,596 alleles (0.0098%); highest among the groups gnomAD compares: African/African-American, 0.18%; 2 homozygotes.

Submissions (4):

Labcorp Genetics (formerly Invitae), Labcorp
Classification: Likely benign for Charcot-Marie-Tooth disease type 4. Last evaluated: 2026-01-28. Review status: criteria provided, single submitter. Criteria: Invitae Variant Classification Sherloc (09022015). Collection method: clinical testing. Allele origin: germline.

Mayo Clinic Laboratories, Mayo Clinic
Classification: Likely benign. Last evaluated: 2025-05-12. Review status: criteria provided, single submitter. Criteria: ACMG Guidelines, 2015. Collection method: clinical testing. Allele origin: germline. Observed: 1 variant allele.
Comment: BS1, BP4, BP7

Blueprint Genetics
Classification: Likely benign. Last evaluated: 2024-10-09. Review status: criteria provided, single submitter. Criteria: ACMG Guidelines, 2015. Collection method: clinical testing. Allele origin: germline.

PreventionGenetics, part of Exact Sciences
Classification: Likely benign for NDRG1-related condition. Last evaluated: 2019-03-06. Review status: no assertion criteria provided. Collection method: clinical testing. Allele origin: germline. Not counted in ClinVar's aggregate classification.
Comment: This variant is classified as likely benign based on ACMG/AMP sequence variant interpretation guidelines (Richards et al. 2015 PMID: 25741868, with internal and published modifications).